The following is an entry in ClinVar:

ClinVar aggregate classification (germline): Uncertain significance (1 of 4 stars; one submission).

Conditions:
Mevalonic aciduria (MEVA). Identifiers: Orphanet 29, MedGen C1959626, MONDO:0012481, OMIM 610377.
Porokeratosis 3, disseminated superficial actinic type (POROK3). Also called: POROKERATOSIS, DISSEMINATED SUPERFICIAL ACTINIC, 1; POROKERATOSIS 3, MULTIPLE TYPES; POROKERATOSIS 3, MIBELLI TYPE. Identifiers: MedGen C1867981, MONDO:0008293, OMIM 175900.
Hyperimmunoglobulin D with periodic fever (HIDS). Also called: HYPERIMMUNOGLOBULINEMIA D AND PERIODIC FEVER SYNDROME; Hyperimmunoglobulinemia D with periodic fever; Hyperimmunoglobulinemia D. Identifiers: Orphanet 343, MedGen C0398691, MONDO:0009849, OMIM 260920.

Allele frequency attached by ClinVar (database versions not stated): ExAC 0.00001; TOPMed 0.00001; ESP Exome Variant Server 0.00008.
gnomAD v4.1: 12 of 1,614,202 alleles (0.00074%); highest among the groups gnomAD compares: South Asian, 0.0033%; no homozygotes.

Submission:

Labcorp Genetics (formerly Invitae), Labcorp
Classification: Uncertain significance for Mevalonic aciduria; Hyperimmunoglobulin D with periodic fever; Porokeratosis 3, disseminated superficial actinic type. Last evaluated: 2025-04-08. Review status: criteria provided, single submitter. Criteria: Invitae Variant Classification Sherloc (09022015). Collection method: clinical testing. Allele origin: germline.
Comment: This sequence change replaces valine, which is neutral and non-polar, with isoleucine, which is neutral and non-polar, at codon 174 of the MVK protein (p.Val174Ile). This variant is present in population databases (rs369227329, gnomAD 0.002%). This variant has not been reported in the literature in individuals affected with MVK-related conditions. ClinVar contains an entry for this variant (Variation ID: 855436). An algorithm developed to predict the effect of missense changes on protein structure and function outputs the following: PolyPhen-2: "Benign". The isoleucine amino acid residue is found in multiple mammalian species, which suggests that this missense change does not adversely affect protein function. In summary, the available evidence is currently insufficient to determine the role of this variant in disease. Therefore, it has been classified as a Variant of Uncertain Significance.

NM_000431.4(MVK):c.520G>A (p.Val174Ile)

Gene: MVK (mevalonate kinase; plus strand). Cytogenetic location: 12q24.11.
Variant type: single nucleotide variant.
Coding change: c.520G>A on transcript NM_000431.4 (MANE Select); coding-DNA position 520, G replaced by A.
Protein change: p.Val174Ile; replaces valine 174 with isoleucine.
Molecular consequence: missense variant. On other transcripts: intron variant (1).
Genome position (GRCh38, 1-based): chr12:109,581,543, G>A. VCF-style: chr12-109581543-G-A. GRCh37 (hg19) VCF-style: chr12-110019348-G-A.
Other names: c.520G>A, p.Val174Ile (NM_001114185.3); c.371+1597G>A (NM_001301182.2); short protein forms V174I.
Identifiers: ClinVar variation 855436 (VCV000855436.9), dbSNP rs369227329, ClinGen allele CA6779274.